The following is an entry in ClinVar:

NC_000011.10:g.(?_112086823)_(112086969_?)dup

Gene: SDHD (succinate dehydrogenase complex subunit D; plus strand). Cytogenetic location: 11q23.1.
Variant type: Duplication.
Identifiers: ClinVar variation 833130 (VCV000833130.9).

ClinVar aggregate classification (germline): Uncertain significance. Review status: criteria provided, single submitter (1 of 4 stars). 2 submissions from 1 submitter: Uncertain significance (2). Last evaluated 2020-12-21.

Conditions:
Pheochromocytoma. Also called: MAX-Related Hereditary Paraganglioma-Pheochromocytoma Syndrome. Identifiers: Orphanet 29072, MedGen C0031511, MONDO:0008233, OMIM 171300, HP:0002666.
Pheochromocytoma/paraganglioma syndrome 1. Also called: PARAGANGLIOMAS, FAMILIAL NONCHROMAFFIN, 1; PGL 1; Paragangliomas familial 1; Paragangliomas 1; PARAGANGLIOMATA; Paraganglioma - glomus jugulare. Identifiers: Orphanet 29072, MedGen C3494181, MONDO:0008192, OMIM 168000.
Carney-Stratakis syndrome. Also called: PARAGANGLIOMA AND GASTROINTESTINAL STROMAL TUMOR. Identifiers: Orphanet 97286, MedGen C1847319, MONDO:0011740, OMIM 606864.
Cowden syndrome 3 (CWS3). Identifiers: Orphanet 201, MedGen CN166604, MONDO:0014045.
Paragangliomas with sensorineural hearing loss. Identifiers: MedGen C1868633.

Submissions (2):

Labcorp Genetics (formerly Invitae), Labcorp
Classification: Uncertain significance for Carney-Stratakis syndrome; Paragangliomas with sensorineural hearing loss; Pheochromocytoma; Cowden syndrome 3. Last evaluated: 2020-12-21. Review status: criteria provided, single submitter. Criteria: Invitae Variant Classification Sherloc (09022015). Collection method: clinical testing. Allele origin: germline.
Comment: In summary, the available evidence is currently insufficient to determine the role of this variant in disease. Therefore, it has been classified as a Variant of Uncertain Significance. Experimental studies and prediction algorithms are not available or were not evaluated, and the functional significance of this variant is currently unknown. This variant has not been reported in the literature in individuals with SDHD-related conditions. This variant results in a copy number gain of the genomic region encompassing exon 1 of the SDHD gene, which includes the initiator codon. The 5' end of this event is unknown as it extends beyond the assayed region for this gene and therefore may encompass additional genes. The 3' boundary is likely confined to intron 1 of the SDHD gene. As the precise location of this event is unknown, it may be in tandem or it may be located elsewhere in the genome.

Labcorp Genetics (formerly Invitae), Labcorp
Classification: Uncertain significance for Paraganglioma and gastric stromal sarcoma; Paragangliomas 1; Pheochromocytoma; Cowden syndrome 3. Last evaluated: 2019-12-31. Review status: criteria provided, single submitter. Criteria: Invitae Variant Classification Sherloc (09022015). Collection method: clinical testing. Allele origin: germline.
Comment: This variant results in a copy number gain of the genomic region encompassing exon 1 of the SDHD gene, which includes the initiator codon. The 5' end of this event is unknown as it extends beyond the assayed region for this gene and therefore may encompass additional genes. The 3' boundary is likely confined to intron 1 of the SDHD gene. As the precise location of this event is unknown, it may be in tandem or it may be located elsewhere in the genome. This variant has not been reported in the literature in individuals with SDHD-related conditions. Experimental studies and prediction algorithms are not available or were not evaluated, and the functional significance of this variant is currently unknown. In summary, the available evidence is currently insufficient to determine the role of this variant in disease. Therefore, it has been classified as a Variant of Uncertain Significance.